The following is an entry in ClinVar:

ClinVar aggregate classification (germline): Uncertain significance (1 of 4 stars; one submission).

Conditions:
Perlman syndrome (PRLMNS). Identifiers: Orphanet 2849, MedGen C0796113, MONDO:0009965, OMIM 267000.

Allele frequency attached by ClinVar (database versions not stated): TOPMed below 0.00001; gnomAD 0.00001; gnomAD exomes 0.00001 and 0.00003; ExAC 0.00005.
gnomAD v4.1: 14 of 1,550,384 alleles (0.0009%); highest among the groups gnomAD compares: East Asian, 0.017%; no homozygotes.

Submission:

Labcorp Genetics (formerly Invitae), Labcorp
Classification: Uncertain significance for Perlman syndrome. Last evaluated: 2025-01-30. Review status: criteria provided, single submitter. Criteria: Invitae Variant Classification Sherloc (09022015). Collection method: clinical testing. Allele origin: germline.
Comment: This sequence change replaces arginine, which is basic and polar, with glutamine, which is neutral and polar, at codon 803 of the DIS3L2 protein (p.Arg803Gln). This variant is present in population databases (rs764157950, gnomAD 0.04%). This variant has not been reported in the literature in individuals affected with DIS3L2-related conditions. ClinVar contains an entry for this variant (Variation ID: 410743). Invitae Evidence Modeling of protein sequence and biophysical properties (such as structural, functional, and spatial information, amino acid conservation, physicochemical variation, residue mobility, and thermodynamic stability) indicates that this missense variant is not expected to disrupt DIS3L2 protein function with a negative predictive value of 80%. In summary, the available evidence is currently insufficient to determine the role of this variant in disease. Therefore, it has been classified as a Variant of Uncertain Significance.

NM_152383.5(DIS3L2):c.2408G>A (p.Arg803Gln)

Gene: DIS3L2 (DIS3 like 3'-5' exoribonuclease 2; plus strand). Cytogenetic location: 2q37.1.
Variant type: single nucleotide variant.
Coding change: c.2408G>A on transcript NM_152383.5 (MANE Select); coding-DNA position 2408, G replaced by A.
Protein change: p.Arg803Gln; replaces arginine 803 with glutamine.
Molecular consequence: missense variant. On other transcripts: non-coding transcript variant (2), intron variant (1).
Genome position (GRCh38, 1-based): chr2:232,335,786, G>A. VCF-style: chr2-232335786-G-A. GRCh37 (hg19) VCF-style: chr2-233200496-G-A.
Other names: c.1582-7559G>A (NM_001257281.2); short protein forms R803Q.
Identifiers: ClinVar variation 410743 (VCV000410743.8), dbSNP rs764157950, ClinGen allele CA2164545.